The following is an entry in ClinVar:

ClinVar aggregate classification (germline): Uncertain significance. Review status: criteria provided, multiple submitters, no conflicts (2 of 4 stars). 2 submissions from 2 submitters: Uncertain significance (2). Last evaluated 2025-10-26.

Conditions:
Hereditary cancer-predisposing syndrome. Also called: Tumor predisposition; Neoplastic Syndromes, Hereditary; Hereditary neoplastic syndrome; Hereditary Cancer Syndrome. Identifiers: Orphanet 140162, MedGen C0027672, MeSH D009386, MONDO:0015356.
EGFR-related lung cancer (EGFR). Identifiers: MedGen CN130014.

Allele frequency attached by ClinVar (database versions not stated): gnomAD exomes below 0.00001; ExAC 0.00001.
gnomAD v4.1: 2 of 1,614,182 alleles (0.00012%); highest among the groups gnomAD compares: Non-Finnish European, 0.000085%; no homozygotes.

Submissions (2):

Labcorp Genetics (formerly Invitae), Labcorp
Classification: Uncertain significance for EGFR-related lung cancer. Last evaluated: 2025-10-26. Review status: criteria provided, single submitter. Criteria: Invitae Variant Classification Sherloc (09022015). Collection method: clinical testing. Allele origin: germline.
Comment: This sequence change replaces lysine, which is basic and polar, with arginine, which is basic and polar, at codon 970 of the EGFR protein (p.Lys970Arg). This variant is present in population databases (rs755504552, gnomAD 0.004%). This variant has not been reported in the literature in individuals affected with EGFR-related conditions. ClinVar contains an entry for this variant (Variation ID: 1017030). Invitae Evidence Modeling of protein sequence and biophysical properties (such as structural, functional, and spatial information, amino acid conservation, physicochemical variation, residue mobility, and thermodynamic stability) indicates that this missense variant is not expected to disrupt EGFR protein function with a negative predictive value of 80%. In summary, the available evidence is currently insufficient to determine the role of this variant in disease. Therefore, it has been classified as a Variant of Uncertain Significance.

Ambry Genetics
Classification: Uncertain significance for Hereditary cancer-predisposing syndrome. Last evaluated: 2025-01-11. Review status: criteria provided, single submitter. Criteria: Ambry Variant Classification Scheme 2023. Collection method: clinical testing. Allele origin: germline.
Comment: The p.K970R variant (also known as c.2909A>G), located in coding exon 24 of the EGFR gene, results from an A to G substitution at nucleotide position 2909. The lysine at codon 970 is replaced by arginine, an amino acid with highly similar properties. This amino acid position is highly conserved in available vertebrate species. In addition, this alteration is predicted to be tolerated by in silico analysis. Based on the available evidence, the clinical significance of this variant remains unclear.

NM_005228.5(EGFR):c.2909A>G (p.Lys970Arg)

Gene: EGFR (epidermal growth factor receptor; plus strand). Cytogenetic location: 7p11.2.
Variant type: single nucleotide variant.
Coding change: c.2909A>G on transcript NM_005228.5 (MANE Select); coding-DNA position 2909, A replaced by G.
Protein change: p.Lys970Arg; replaces lysine 970 with arginine.
Molecular consequence: missense variant.
Genome position (GRCh38, 1-based): chr7:55,200,376, A>G. VCF-style: chr7-55200376-A-G. GRCh37 (hg19) VCF-style: chr7-55268069-A-G.
Other names: c.2774A>G, p.Lys925Arg (NM_001346897.2, NM_001346899.2); c.2909A>G, p.Lys970Arg (NM_001346898.2); c.2750A>G, p.Lys917Arg (NM_001346900.2); c.2108A>G, p.Lys703Arg (NM_001346941.2); c.2909A>G (NM_005228.3); short protein forms K703R, K917R, K925R, K970R.
Identifiers: ClinVar variation 1017030 (VCV001017030.9), dbSNP rs755504552, ClinGen allele CA4266203.
Genomic context (GRCh38, chr7:55,200,376, plus strand): 5'-GCTGGATGATAGACGCAGATAGTCGCCCAAAGTTCCGTGAGTTGATCATCGAATTCTCCA[A>G]AATGGCCCGAGACCCCCAGCGCTACCTTGTCATTCAGGTACAAATTGCAGTCTGTGCTTC-3'
Protein context (NP_005219.2, residues 960-980): KFRELIIEFS[Lys970Arg]MARDPQRYLV